The following is an entry in ClinVar:

NM_025179.4(PLXNA2):c.1380C>T (p.Ala460=)

Gene: PLXNA2 (plexin A2; minus strand). Cytogenetic location: 1q32.2.
Variant type: single nucleotide variant.
Coding change: c.1380C>T on transcript NM_025179.4 (MANE Select); coding-DNA position 1380, C replaced by T.
Protein change: p.Ala460=; no amino-acid change (alanine 460 retained).
Molecular consequence: synonymous variant.
Genome position (GRCh38, 1-based): chr1:208,142,455, G>A on the plus strand (C>T on the coding strand, the complement: PLXNA2 is on the minus strand). VCF-style: chr1-208142455-G-A. GRCh37 (hg19) VCF-style: chr1-208315800-G-A.
Other names: c.1380C>T (NM_025179.3).
Identifiers: ClinVar variation 1389636 (VCV001389636.10), dbSNP rs571161413, ClinGen allele CA1373871.

ClinVar aggregate classification (germline): Likely benign. Review status: criteria provided, single submitter (1 of 4 stars). 2 submissions from 2 submitters: Likely benign (1). 1 of the submissions does not count toward it. Last evaluated 2023-09-05.

Conditions:
PLXNA2-related disorder. Also called: PLXNA2-related condition.

Allele frequency attached by ClinVar (database versions not stated): gnomAD exomes 0.00006 and 0.00007; ExAC 0.00007; 1000 Genomes Project 30x 0.00016; 1000 Genomes Project 0.00020; gnomAD 0.00027 and 0.00028; TOPMed 0.00039.
gnomAD v4.1: 132 of 1,605,952 alleles (0.0082%); highest among the groups gnomAD compares: African/African-American, 0.086%; no homozygotes.

Submissions (2):

Labcorp Genetics (formerly Invitae), Labcorp
Classification: Likely benign. Last evaluated: 2023-09-05. Review status: criteria provided, single submitter. Criteria: Invitae Variant Classification Sherloc (09022015). Collection method: clinical testing. Allele origin: germline.

PreventionGenetics, part of Exact Sciences
Classification: Likely benign for PLXNA2-related condition. Last evaluated: 2021-09-30. Review status: no assertion criteria provided. Collection method: clinical testing. Allele origin: germline. Not counted in ClinVar's aggregate classification.
Comment: This variant is classified as likely benign based on ACMG/AMP sequence variant interpretation guidelines (Richards et al. 2015 PMID: 25741868, with internal and published modifications).